The following is an entry in ClinVar:

NM_004114.5(FGF13):c.151C>G (p.Leu51Val)

Gene: FGF13 (fibroblast growth factor 13; minus strand). Cytogenetic location: Xq26.3.
Variant type: single nucleotide variant.
Coding change: c.151C>G on transcript NM_004114.5 (MANE Select); coding-DNA position 151, C replaced by G.
Protein change: p.Leu51Val; replaces leucine 51 with valine.
Molecular consequence: missense variant. On other transcripts: intron variant (5).
Genome position (GRCh38, 1-based): chrX:138,710,853, G>C on the plus strand (C>G on the coding strand, the complement: FGF13 is on the minus strand). VCF-style: chrX-138710853-G-C. GRCh37 (hg19) VCF-style: chrX-137793015-G-C.
Other names: c.50-1925C>G (NM_001139498.2); c.218-1925C>G (NM_001139500.2); c.131-1925C>G (NM_001139501.2, NM_001139502.2); c.29-1925C>G (NM_033642.3); short protein forms L51V.
Identifiers: ClinVar variation 4088070 (VCV004088070.1).

ClinVar aggregate classification (germline): Uncertain significance (1 of 4 stars; one submission).

gnomAD v4.1: 9 of 1,212,300 alleles (0.00074%); highest among the groups gnomAD compares: Non-Finnish European, 0.001%; no homozygotes.

Submission:

GeneDx
Classification: Uncertain significance. Last evaluated: 2025-03-27. Review status: criteria provided, single submitter. Criteria: GeneDx Variant Classification Process June 2021. Collection method: clinical testing. Allele origin: germline. Affected: yes.
Comment: Not observed at significant frequency in large population cohorts (gnomAD); In silico analysis indicates that this missense variant does not alter protein structure/function; Has not been previously published as pathogenic or benign to our knowledge